The following is an entry in ClinVar:

NM_000880.4(IL7):c.108A>G (p.Gln36=)

Gene: IL7 (interleukin 7; minus strand). Cytogenetic location: 8q21.13.
Variant type: single nucleotide variant.
Coding change: c.108A>G on transcript NM_000880.4 (MANE Select); coding-DNA position 108, A replaced by G.
Protein change: p.Gln36=; no amino-acid change (glutamine 36 retained).
Molecular consequence: synonymous variant.
Genome position (GRCh38, 1-based): chr8:78,798,111, T>C on the plus strand (A>G on the coding strand, the complement: IL7 is on the minus strand). VCF-style: chr8-78798111-T-C. GRCh37 (hg19) VCF-style: chr8-79710346-T-C.
Other names: c.108A>G, p.Gln36= (NM_001199887.2, NM_001199888.2, NM_001199886.2).
Identifiers: ClinVar variation 3389052 (VCV003389052.14).

ClinVar aggregate classification (germline): Likely benign (1 of 4 stars; one submission).

gnomAD v4.1: 245 of 1,612,402 alleles (0.015%); highest among the groups gnomAD compares: African/African-American, 0.27%; no homozygotes.

Submission:

CeGaT Center for Human Genetics Tuebingen
Classification: Likely benign. Last evaluated: 2024-11-01. Review status: criteria provided, single submitter. Criteria: CeGaT Center For Human Genetics Tuebingen Variant Classification Criteria Version 2. Collection method: clinical testing. Allele origin: germline. Affected: yes. Observed: 1 variant allele.
Comment: IL7: BP4, BP7